The following is an entry in ClinVar:

ClinVar aggregate classification (germline): Uncertain significance (1 of 4 stars; one submission).

Conditions:
Fanconi anemia complementation group Q. Identifiers: Orphanet 84, MedGen C3808988, MONDO:0014108, OMIM 615272.
Xeroderma pigmentosum, group F (XPF). Also called: ERCC4-Related Xeroderma Pigmentosum; XERODERMA PIGMENTOSUM, TYPE F; Xeroderma pigmentosum, type 6; XERODERMA PIGMENTOSUM, COMPLEMENTATION GROUP F; XERODERMA PIGMENTOSUM VI; XP, GROUP F. Identifiers: MedGen C0268140, MONDO:0010215, OMIM 278760.
Cockayne syndrome. Identifiers: Orphanet 191, MedGen C0009207, MONDO:0016006.

Allele frequency attached by ClinVar (database versions not stated): gnomAD exomes below 0.00001.
gnomAD v4.1: 3 of 1,614,060 alleles (0.00019%); highest among the groups gnomAD compares: Non-Finnish European, 0.00017%; no homozygotes.

Submission:

Labcorp Genetics (formerly Invitae), Labcorp
Classification: Uncertain significance for Fanconi anemia complementation group Q; Xeroderma pigmentosum, group F; Cockayne syndrome. Last evaluated: 2022-03-14. Review status: criteria provided, single submitter. Criteria: Invitae Variant Classification Sherloc (09022015). Collection method: clinical testing. Allele origin: germline.
Comment: This variant is present in population databases (no rsID available, gnomAD 0.0009%). This sequence change replaces alanine, which is neutral and non-polar, with valine, which is neutral and non-polar, at codon 565 of the ERCC4 protein (p.Ala565Val). This variant has not been reported in the literature in individuals affected with ERCC4-related conditions. Algorithms developed to predict the effect of missense changes on protein structure and function are either unavailable or do not agree on the potential impact of this missense change (SIFT: "Deleterious"; PolyPhen-2: "Benign"; Align-GVGD: "Class C0"). In summary, the available evidence is currently insufficient to determine the role of this variant in disease. Therefore, it has been classified as a Variant of Uncertain Significance.

NM_005236.3(ERCC4):c.1694C>T (p.Ala565Val)

Gene: ERCC4 (ERCC excision repair 4, endonuclease catalytic subunit; plus strand). Cytogenetic location: 16p13.12.
Variant type: single nucleotide variant.
Coding change: c.1694C>T on transcript NM_005236.3 (MANE Select); coding-DNA position 1694, C replaced by T.
Protein change: p.Ala565Val; replaces alanine 565 with valine.
Molecular consequence: missense variant.
Genome position (GRCh38, 1-based): chr16:13,935,626, C>T. VCF-style: chr16-13935626-C-T. GRCh37 (hg19) VCF-style: chr16-14029483-C-T.
Other names: short protein forms A565V.
Identifiers: ClinVar variation 1970152 (VCV001970152.5), dbSNP rs1455880995, ClinGen allele CA394812458.